The following is an entry in ClinVar:

ClinVar aggregate classification (germline): Benign/Likely benign. Review status: criteria provided, multiple submitters, no conflicts (2 of 4 stars). 4 submissions from 4 submitters: Benign (2); Likely benign (2). Last evaluated 2026-01-24.

Conditions:
RYR1-related disorder. Also called: RYR1-related condition; RYR1-related disorders. Identifiers: MedGen CN239331.

Allele frequency attached by ClinVar (database versions not stated): ExAC 0.00085; gnomAD 0.00137 and 0.00140; 1000 Genomes Project 30x 0.00203; TOPMed 0.00300; ESP Exome Variant Server 0.00331; 1000 Genomes Project 0.00359.
gnomAD v4.1: 366 of 1,607,072 alleles (0.023%); highest among the groups gnomAD compares: African/African-American, 0.45%; 2 homozygotes.

Submissions (4):

Labcorp Genetics (formerly Invitae), Labcorp
Classification: Benign for RYR1-related disorder. Last evaluated: 2026-01-24. Review status: criteria provided, single submitter. Criteria: Invitae Variant Classification Sherloc (09022015). Collection method: clinical testing. Allele origin: germline.

Blueprint Genetics
Classification: Likely benign. Last evaluated: 2024-09-26. Review status: criteria provided, single submitter. Criteria: ACMG Guidelines, 2015. Collection method: clinical testing. Allele origin: germline.

GeneDx
Classification: Likely benign. Last evaluated: 2017-09-12. Review status: criteria provided, single submitter. Criteria: GeneDx Variant Classification (06012015). Collection method: clinical testing. Allele origin: germline. Affected: yes.
Comment: This variant is considered likely benign or benign based on one or more of the following criteria: it is a conservative change, it occurs at a poorly conserved position in the protein, it is predicted to be benign by multiple in silico algorithms, and/or has population frequency not consistent with disease.

PreventionGenetics, part of Exact Sciences
Classification: Benign. Last evaluated: 2015-08-19. Review status: criteria provided, single submitter. Criteria: ACMG Guidelines, 2015. Collection method: clinical testing. Allele origin: germline.

NM_000540.3(RYR1):c.7836-17T>C

Gene: RYR1 (ryanodine receptor 1; plus strand). Cytogenetic location: 19q13.2.
Variant type: single nucleotide variant.
Coding change: c.7836-17T>C on transcript NM_000540.3 (MANE Select); 17 bases into the intron before coding-DNA position 7836, T replaced by C.
Molecular consequence: intron variant.
Genome position (GRCh38, 1-based): chr19:38,502,863, T>C. VCF-style: chr19-38502863-T-C. GRCh37 (hg19) VCF-style: chr19-38993503-T-C.
Other names: c.7836-17T>C (NM_001042723.2).
Identifiers: ClinVar variation 256558 (VCV000256558.12), dbSNP rs142720065, ClinGen allele CA070575.
Genomic context (GRCh38, chr19:38,502,863, plus strand): 5'-GCAGGGGGAGGAGCAGGGGCAGGGGCAGCAGAGCGGGCCTGGACGGGGGATTCTACATCT[T>C]GTGCATTGTCCCGCAGGTACATCCGCCCGTCGATGCTGCAGCACCTGTTGCGCCGCCTGG-3'